The following is an entry in ClinVar:

NM_032119.4(ADGRV1):c.35C>T (p.Ala12Val)

Gene: ADGRV1 (adhesion G protein-coupled receptor V1; plus strand). Cytogenetic location: 5q14.3.
Variant type: single nucleotide variant.
Coding change: c.35C>T on transcript NM_032119.4 (MANE Select); coding-DNA position 35, C replaced by T.
Protein change: p.Ala12Val; replaces alanine 12 with valine.
Molecular consequence: missense variant. On other transcripts: non-coding transcript variant (1).
Genome position (GRCh38, 1-based): chr5:90,614,847, C>T. VCF-style: chr5-90614847-C-T. GRCh37 (hg19) VCF-style: chr5-89910664-C-T.
Other names: short protein forms A12V.
Identifiers: ClinVar variation 2097850 (VCV002097850.4), dbSNP rs2531676129, ClinGen allele CA360381832.
Genomic context (GRCh38, chr5:90,614,847, plus strand): 5'-ATAGATTAGATATATTTTGTGAATAATATTTTTTTCTTTTTGTTTTAGGGATGCCCTCTG[C>T]ATCTTTATTAGTAAATCTTCTTTCAGCTTTACTCATCCTATTTGTGTTTGGAGAAACAGA-3'
Protein context (NP_115495.3, residues 2-22): SVFLGPGMPS[Ala12Val]SLLVNLLSAL

ClinVar aggregate classification (germline): Uncertain significance (1 of 4 stars; one submission).

Submission:

Labcorp Genetics (formerly Invitae), Labcorp
Classification: Uncertain significance. Last evaluated: 2025-03-17. Review status: criteria provided, single submitter. Criteria: Invitae Variant Classification Sherloc (09022015). Collection method: clinical testing. Allele origin: germline.
Comment: This sequence change replaces alanine, which is neutral and non-polar, with valine, which is neutral and non-polar, at codon 12 of the ADGRV1 protein (p.Ala12Val). This variant is not present in population databases (gnomAD no frequency). This variant has not been reported in the literature in individuals affected with ADGRV1-related conditions. ClinVar contains an entry for this variant (Variation ID: 2097850). An algorithm developed to predict the effect of missense changes on protein structure and function (PolyPhen-2) suggests that this variant is likely to be tolerated. In summary, the available evidence is currently insufficient to determine the role of this variant in disease. Therefore, it has been classified as a Variant of Uncertain Significance.